The following is an entry in ClinVar:

ClinVar aggregate classification (germline): Pathogenic (1 of 4 stars; one submission).

Submission:

Labcorp Genetics (formerly Invitae), Labcorp
Classification: Pathogenic. Last evaluated: 2023-08-17. Review status: criteria provided, single submitter. Criteria: Invitae Variant Classification Sherloc (09022015). Collection method: clinical testing. Allele origin: germline.
Comment: This sequence change creates a premature translational stop signal (p.Pro447Thrfs*17) in the ERCC3 gene. It is expected to result in an absent or disrupted protein product. Loss-of-function variants in ERCC3 are known to be pathogenic (PMID: 16947863). This variant is not present in population databases (gnomAD no frequency). This variant has not been reported in the literature in individuals affected with ERCC3-related conditions. ClinVar contains an entry for this variant (Variation ID: 2171512). For these reasons, this variant has been classified as Pathogenic.

Literature cited by the submitters: PubMed 16947863.

NM_000122.2(ERCC3):c.1337dup (p.Pro447fs)

Gene: ERCC3 (ERCC excision repair 3, TFIIH core complex helicase subunit; minus strand). Cytogenetic location: 2q14.3.
Variant type: Duplication.
Coding change: c.1337dup on transcript NM_000122.2 (MANE Select); coding-DNA position 1337, one base duplicated (T; older notation c.1337dupT).
Protein change: p.Pro447fs; shifts the reading frame from proline 447.
Molecular consequence: frameshift variant.
Genome position (GRCh38, 1-based): chr2:127,286,708, A duplicated on the plus strand (T on the coding strand, the reverse complement: ERCC3 is on the minus strand). VCF-style (leftmost placement, unchanged base first): chr2-127286707-T-TA. GRCh37 (hg19) VCF-style: chr2-128044283-T-TA.
Other names: c.1145dup, p.Pro383fs (NM_001303416.2, NM_001303418.2); short protein forms P383fs, P447fs.
Identifiers: ClinVar variation 2171512 (VCV002171512.4), dbSNP rs2468052782, ClinGen allele CA2580063792.
Genomic context (GRCh38, chr2:127,286,707, plus strand): 5'-ACTGGAAATTGGTTTGTCTGTTCAGCAAGTGGACAGCTCAGCTCCAGCCTGCTTACCTGG[T>TA]ATGGTGTGCACTTCATCCAGGATCATGAGGCCCCACTCCTGGGTCTTGAGCCACTCCATG-3'